The following is an entry in ClinVar:

ClinVar aggregate classification (germline): Likely benign. Review status: criteria provided, multiple submitters, no conflicts (2 of 4 stars). 3 submissions from 3 submitters: Likely benign (2). 1 of the submissions does not count toward it. Last evaluated 2025-10-23.

Conditions:
SYN1-related disorder. Also called: SYN1-related condition; SYN1-Related Disorders.
Inborn genetic diseases. Identifiers: MedGen C0950123, MeSH D030342.
Epilepsy, X-linked 1, with variable learning disabilities and behavior disorders. Also called: X-linked epilepsy-learning disabilities-behavior disorders syndrome. Identifiers: Orphanet 85294, MedGen C5774177, MONDO:0010339, OMIM 300491.

Allele frequency attached by ClinVar (database versions not stated): gnomAD exomes below 0.00001 and 0.00001; gnomAD 0.00004 and 0.00005; TOPMed 0.00008.
gnomAD v4.1: 10 of 1,157,866 alleles (0.00086%); highest among the groups gnomAD compares: African/African-American, 0.013%; no homozygotes.

Submissions (3):

Labcorp Genetics (formerly Invitae), Labcorp
Classification: Likely benign for Epilepsy, X-linked 1, with variable learning disabilities and behavior disorders. Last evaluated: 2025-10-23. Review status: criteria provided, single submitter. Criteria: Invitae Variant Classification Sherloc (09022015). Collection method: clinical testing. Allele origin: germline.

Ambry Genetics
Classification: Likely benign for Inborn genetic diseases. Last evaluated: 2017-07-26. Review status: criteria provided, single submitter. Criteria: Ambry Variant Classification Scheme 2023. Collection method: clinical testing. Allele origin: germline.

PreventionGenetics, part of Exact Sciences
Classification: Likely benign for SYN1-related condition. Last evaluated: 2020-04-14. Review status: no assertion criteria provided. Collection method: clinical testing. Allele origin: germline. Not counted in ClinVar's aggregate classification.
Comment: This variant is classified as likely benign based on ACMG/AMP sequence variant interpretation guidelines (Richards et al. 2015 PMID: 25741868, with internal and published modifications).

NM_006950.3(SYN1):c.108T>C (p.Gly36=)

Gene: SYN1 (synapsin I; minus strand). Cytogenetic location: Xp11.23.
Variant type: single nucleotide variant.
Coding change: c.108T>C on transcript NM_006950.3 (MANE Select); coding-DNA position 108, T replaced by C.
Protein change: p.Gly36=; no amino-acid change (glycine 36 retained).
Molecular consequence: synonymous variant.
Genome position (GRCh38, 1-based): chrX:47,619,621, A>G on the plus strand (T>C on the coding strand, the complement: SYN1 is on the minus strand). VCF-style: chrX-47619621-A-G. GRCh37 (hg19) VCF-style: chrX-47479020-A-G.
Other names: c.108T>C, p.Gly36= (NM_133499.2).
Identifiers: ClinVar variation 1529098 (VCV001529098.12), dbSNP rs758180955, ClinGen allele CA10398796.